The following is an entry in ClinVar:

NM_000143.4(FH):c.874A>G (p.Lys292Glu)

Gene: FH (fumarate hydratase; minus strand). Cytogenetic location: 1q43.
Variant type: single nucleotide variant.
Coding change: c.874A>G on transcript NM_000143.4 (MANE Select); coding-DNA position 874, A replaced by G.
Protein change: p.Lys292Glu; replaces lysine 292 with glutamic acid.
Molecular consequence: missense variant.
Genome position (GRCh38, 1-based): chr1:241,506,033, T>C on the plus strand (A>G on the coding strand, the complement: FH is on the minus strand). VCF-style: chr1-241506033-T-C. GRCh37 (hg19) VCF-style: chr1-241669333-T-C.
Other names: short protein forms K292E.
Identifiers: ClinVar variation 2624859 (VCV002624859.6), dbSNP rs771087739, ClinGen allele CA40328127.

ClinVar aggregate classification (germline): Uncertain significance. Review status: criteria provided, multiple submitters, no conflicts (2 of 4 stars). 2 submissions from 2 submitters: Uncertain significance (2). Last evaluated 2026-06-10.

Conditions:
Hereditary cancer-predisposing syndrome. Also called: Neoplastic Syndromes, Hereditary; Tumor predisposition; Hereditary Cancer Syndrome; Hereditary neoplastic syndrome. Identifiers: Orphanet 140162, MedGen C0027672, MeSH D009386, MONDO:0015356.

Allele frequency attached by ClinVar (database versions not stated): gnomAD 0.00001.
gnomAD v4.1: 2 of 1,613,896 alleles (0.00012%); highest among the groups gnomAD compares: Non-Finnish European, 0.00017%; no homozygotes.

Submissions (2):

Ambry Genetics
Classification: Uncertain significance for Hereditary cancer-predisposing syndrome. Last evaluated: 2026-06-10. Review status: criteria provided, single submitter. Criteria: Ambry Variant Classification Scheme 2023. Collection method: clinical testing. Allele origin: germline.
Comment: The p.K292E variant (also known as c.874A>G), located in coding exon 6 of the FH gene, results from an A to G substitution at nucleotide position 874. The lysine at codon 292 is replaced by glutamic acid, an amino acid with similar properties. This amino acid position is highly conserved in available vertebrate species. In addition, this alteration is predicted to be deleterious by in silico analysis. Based on the available evidence, the clinical significance of this variant remains unclear.

Labcorp Genetics (formerly Invitae), Labcorp
Classification: Uncertain significance. Last evaluated: 2025-09-23. Review status: criteria provided, single submitter. Criteria: Invitae Variant Classification Sherloc (09022015). Collection method: clinical testing. Allele origin: germline.
Comment: This sequence change replaces lysine, which is basic and polar, with glutamic acid, which is acidic and polar, at codon 292 of the FH protein (p.Lys292Glu). This variant is not present in population databases (gnomAD no frequency). This variant has not been reported in the literature in individuals affected with FH-related conditions. ClinVar contains an entry for this variant (Variation ID: 2624859). Invitae Evidence Modeling of protein sequence and biophysical properties (such as structural, functional, and spatial information, amino acid conservation, physicochemical variation, residue mobility, and thermodynamic stability) has been performed for this missense variant. However, the output from this modeling did not meet the statistical confidence thresholds required to predict the impact of this variant on FH protein function. In summary, the available evidence is currently insufficient to determine the role of this variant in disease. Therefore, it has been classified as a Variant of Uncertain Significance.